The following is an entry in ClinVar:

ClinVar aggregate classification (germline): Uncertain significance (1 of 4 stars; one submission).

Allele frequency attached by ClinVar (database versions not stated): gnomAD exomes 0.00003 and 0.00001; gnomAD 0.00001 and 0.00002; TOPMed 0.00001; ExAC 0.00002.

Submission:

Labcorp Genetics (formerly Invitae), Labcorp
Classification: Uncertain significance. Last evaluated: 2025-05-02. Review status: criteria provided, single submitter. Criteria: Invitae Variant Classification Sherloc (09022015). Collection method: clinical testing. Allele origin: germline.
Comment: This sequence change replaces arginine, which is basic and polar, with cysteine, which is neutral and slightly polar, at codon 438 of the NSUN2 protein (p.Arg438Cys). This variant is present in population databases (rs199725016, gnomAD 0.01%). This variant has not been reported in the literature in individuals affected with NSUN2-related conditions. ClinVar contains an entry for this variant (Variation ID: 1402626). Invitae Evidence Modeling of protein sequence and biophysical properties (such as structural, functional, and spatial information, amino acid conservation, physicochemical variation, residue mobility, and thermodynamic stability) indicates that this missense variant is expected to disrupt NSUN2 protein function with a positive predictive value of 80%. In summary, the available evidence is currently insufficient to determine the role of this variant in disease. Therefore, it has been classified as a Variant of Uncertain Significance.

NM_017755.6(NSUN2):c.1312C>T (p.Arg438Cys)

Gene: NSUN2 (NOP2/Sun RNA methyltransferase 2; minus strand). Cytogenetic location: 5p15.31.
Variant type: single nucleotide variant.
Coding change: c.1312C>T on transcript NM_017755.6 (MANE Select); coding-DNA position 1312, C replaced by T.
Protein change: p.Arg438Cys; replaces arginine 438 with cysteine.
Molecular consequence: missense variant. On other transcripts: non-coding transcript variant (1).
Genome position (GRCh38, 1-based): chr5:6,609,837, G>A on the plus strand (C>T on the coding strand, the complement: NSUN2 is on the minus strand). VCF-style: chr5-6609837-G-A. GRCh37 (hg19) VCF-style: chr5-6609950-G-A.
Other names: c.1207C>T, p.Arg403Cys (NM_001193455.2); short protein forms R438C, R403C.
Identifiers: ClinVar variation 1402626 (VCV001402626.6), dbSNP rs199725016, ClinGen allele CA3192476.